The following is an entry in ClinVar:

ClinVar aggregate classification (germline): Benign. Review status: criteria provided, single submitter (1 of 4 stars). 2 submissions from 2 submitters: Benign (1). 1 of the submissions does not count toward it. Last evaluated 2025-09-16.

Conditions:
NSMF-related disorder. Also called: NSMF-related condition.

Allele frequency attached by ClinVar (database versions not stated): gnomAD 0.00011 and 0.00023; TOPMed 0.00028; gnomAD exomes 0.00033 and 0.00050; ExAC 0.00054; 1000 Genomes Project 0.00140; 1000 Genomes Project 30x 0.00156.

Submissions (2):

Labcorp Genetics (formerly Invitae), Labcorp
Classification: Benign. Last evaluated: 2025-09-16. Review status: criteria provided, single submitter. Criteria: Invitae Variant Classification Sherloc (09022015). Collection method: clinical testing. Allele origin: germline.

PreventionGenetics, part of Exact Sciences
Classification: Likely benign for NSMF-related condition. Last evaluated: 2019-04-16. Review status: no assertion criteria provided. Collection method: clinical testing. Allele origin: germline. Not counted in ClinVar's aggregate classification.
Comment: This variant is classified as likely benign based on ACMG/AMP sequence variant interpretation guidelines (Richards et al. 2015 PMID: 25741868, with internal and published modifications).

NM_001130969.3(NSMF):c.978C>T (p.Asp326=)

Gene: NSMF (NMDA receptor synaptonuclear signaling and neuronal migration factor; minus strand). Cytogenetic location: 9q34.3.
Variant type: single nucleotide variant.
Coding change: c.978C>T on transcript NM_001130969.3 (MANE Select); coding-DNA position 978, C replaced by T.
Protein change: p.Asp326=; no amino-acid change (aspartic acid 326 retained).
Molecular consequence: synonymous variant.
Genome position (GRCh38, 1-based): chr9:137,453,125, G>A on the plus strand (C>T on the coding strand, the complement: NSMF is on the minus strand). VCF-style: chr9-137453125-G-A. GRCh37 (hg19) VCF-style: chr9-140347577-G-A.
Other names: c.978C>T (NM_001130969.1); c.909C>T, p.Asp303= (NM_001130970.2); c.903C>T, p.Asp301= (NM_001130971.2); c.888C>T, p.Asp296= (NM_001178064.2); c.972C>T, p.Asp324= (NM_015537.5).
Identifiers: ClinVar variation 736924 (VCV000736924.11), dbSNP rs77227738, ClinGen allele CA5370276.
Genomic context (GRCh38, chr9:137,453,125, plus strand): 5'-TGGTGGCACGAAGCCTTCGGTGTCGCAGGCCACAGCCTCCAGGCCCTTCTCAGTGTCCCA[G>A]TCCAGGTCCTCGAAGGCCTCGTCCAGCGTGCAGTGGGAGCTCTGCAGGTCACTGCCTGGG-3'
Protein context (NP_001124441.1, residues 316-336): CTLDEAFEDL[Asp326=]WDTEKGLEAV